The following is an entry in ClinVar:

ClinVar aggregate classification (germline): Likely benign (0 of 4 stars; one submission).

Conditions:
SLC25A11-related disorder. Also called: SLC25A11-related condition.

Allele frequency attached by ClinVar (database versions not stated): gnomAD exomes below 0.00001; TOPMed below 0.00001; ExAC 0.00001; gnomAD 0.00001; 1000 Genomes Project 30x 0.00016; 1000 Genomes Project 0.00020.
gnomAD v4.1: 2 of 1,614,084 alleles (0.00012%); highest among the groups gnomAD compares: African/African-American, 0.0013%; no homozygotes.

Submission:

PreventionGenetics, part of Exact Sciences
Classification: Likely benign for SLC25A11-related condition. Last evaluated: 2020-07-23. Review status: no assertion criteria provided. Collection method: clinical testing. Allele origin: germline.
Comment: This variant is classified as likely benign based on ACMG/AMP sequence variant interpretation guidelines (Richards et al. 2015 PMID: 25741868, with internal and published modifications).

NM_003562.5(SLC25A11):c.538C>T (p.Leu180=)

Gene: SLC25A11 (solute carrier family 25 member 11; minus strand). Cytogenetic location: 17p13.2.
Variant type: single nucleotide variant.
Coding change: c.538C>T on transcript NM_003562.5 (MANE Select); coding-DNA position 538, C replaced by T.
Protein change: p.Leu180=; no amino-acid change (leucine 180 retained).
Molecular consequence: synonymous variant.
Genome position (GRCh38, 1-based): chr17:4,938,520, G>A on the plus strand (C>T on the coding strand, the complement: SLC25A11 is on the minus strand). VCF-style: chr17-4938520-G-A. GRCh37 (hg19) VCF-style: chr17-4841815-G-A.
Other names: c.505C>T, p.Leu169= (NM_001165417.2); c.385C>T, p.Leu129= (NM_001165418.2).
Identifiers: ClinVar variation 3047798 (VCV003047798.2), dbSNP rs201357312, ClinGen allele CA8315291.
Genomic context (GRCh38, chr17:4,938,520, plus strand): 5'-AACCCCTAAAACCAGACCTCACAGCCCCCAAGTCTCCAGCCCCTCCACTCACCCGCCACA[G>A]TGTGAGGACACCCTCTTCCCGGGTGATTCGAATCAGGGCGTTAAACACATTTTTGTAGCC-3'
Protein context (NP_003553.2, residues 170-190): RITREEGVLT[Leu180=]WRGCIPTMAR